The following is an entry in ClinVar:

NM_014991.6(WDFY3):c.392A>G (p.Asn131Ser)

Gene: WDFY3 (WD repeat and FYVE domain containing 3; minus strand). Cytogenetic location: 4q21.23.
Variant type: single nucleotide variant.
Coding change: c.392A>G on transcript NM_014991.6 (MANE Select); coding-DNA position 392, A replaced by G.
Protein change: p.Asn131Ser; replaces asparagine 131 with serine.
Molecular consequence: missense variant.
Genome position (GRCh38, 1-based): chr4:84,841,176, T>C on the plus strand (A>G on the coding strand, the complement: WDFY3 is on the minus strand). VCF-style: chr4-84841176-T-C. GRCh37 (hg19) VCF-style: chr4-85762329-T-C.
Other names: short protein forms N131S.
Identifiers: ClinVar variation 3252309 (VCV003252309.1), dbSNP rs1314695576.

ClinVar aggregate classification (germline): Uncertain significance (1 of 4 stars; one submission).

Allele frequency attached by ClinVar (database versions not stated): gnomAD 0.00001.
gnomAD v4.1: 3 of 1,610,456 alleles (0.00019%); highest among the groups gnomAD compares: Admixed American, 0.0034%; no homozygotes.

Submission:

GeneDx
Classification: Uncertain significance. Last evaluated: 2023-06-13. Review status: criteria provided, single submitter. Criteria: GeneDx Variant Classification Process June 2021. Collection method: clinical testing. Allele origin: germline. Affected: yes.
Comment: Not observed at significant frequency in large population cohorts (gnomAD); In silico analysis supports that this missense variant has a deleterious effect on protein structure/function; Has not been previously published as pathogenic or benign to our knowledge